The following is an entry in ClinVar:

NM_005458.8(GABBR2):c.2486A>G (p.Asn829Ser)

Gene: GABBR2 (gamma-aminobutyric acid type B receptor subunit 2; minus strand). Cytogenetic location: 9q22.33.
Variant type: single nucleotide variant.
Coding change: c.2486A>G on transcript NM_005458.8 (MANE Select); coding-DNA position 2486, A replaced by G.
Protein change: p.Asn829Ser; replaces asparagine 829 with serine.
Molecular consequence: missense variant.
Genome position (GRCh38, 1-based): chr9:98,299,280, T>C on the plus strand (A>G on the coding strand, the complement: GABBR2 is on the minus strand). VCF-style: chr9-98299280-T-C. GRCh37 (hg19) VCF-style: chr9-101061562-T-C.
Other names: short protein forms N829S.
Identifiers: ClinVar variation 3624407 (VCV003624407.2).

ClinVar aggregate classification (germline): Uncertain significance (1 of 4 stars; one submission).

Conditions:
Epileptic encephalopathy. Identifiers: MedGen C0543888, HP:0200134.

gnomAD v4.1: 8 of 1,614,078 alleles (0.0005%); highest among the groups gnomAD compares: South Asian, 0.0077%; no homozygotes.

Submission:

Labcorp Genetics (formerly Invitae), Labcorp
Classification: Uncertain significance for Epileptic encephalopathy. Last evaluated: 2024-10-16. Review status: criteria provided, single submitter. Criteria: Invitae Variant Classification Sherloc (09022015). Collection method: clinical testing. Allele origin: germline.
Comment: This sequence change replaces asparagine, which is neutral and polar, with serine, which is neutral and polar, at codon 829 of the GABBR2 protein (p.Asn829Ser). This variant is present in population databases (rs751698064, gnomAD 0.01%). This variant has not been reported in the literature in individuals affected with GABBR2-related conditions. An algorithm developed to predict the effect of missense changes on protein structure and function (PolyPhen-2) suggests that this variant is likely to be tolerated. In summary, the available evidence is currently insufficient to determine the role of this variant in disease. Therefore, it has been classified as a Variant of Uncertain Significance.